The following is an entry in ClinVar:

ClinVar aggregate classification (germline): Uncertain significance (1 of 4 stars; one submission).

Submission:

GeneDx
Classification: Uncertain significance. Last evaluated: 2024-07-29. Review status: criteria provided, single submitter. Criteria: GeneDx Variant Classification Process June 2021. Collection method: clinical testing. Allele origin: germline. Affected: yes.
Comment: Not observed at significant frequency in large population cohorts (gnomAD); In silico analysis supports that this missense variant has a deleterious effect on protein structure/function; Has not been previously published as pathogenic or benign to our knowledge

NM_007325.5(GRIA3):c.474G>C (p.Trp158Cys)

Gene: GRIA3 (glutamate ionotropic receptor AMPA type subunit 3; plus strand). Cytogenetic location: Xq25.
Variant type: single nucleotide variant.
Coding change: c.474G>C on transcript NM_007325.5 (MANE Select); coding-DNA position 474, G replaced by C.
Protein change: p.Trp158Cys; replaces tryptophan 158 with cysteine.
Molecular consequence: missense variant.
Genome position (GRCh38, 1-based): chrX:123,253,508, G>C. VCF-style: chrX-123253508-G-C. GRCh37 (hg19) VCF-style: chrX-122387359-G-C.
Other names: c.474G>C, p.Trp158Cys (NM_000828.5); short protein forms W158C.
Identifiers: ClinVar variation 3602346 (VCV003602346.1).